The following is an entry in ClinVar:

ClinVar aggregate classification (germline): Uncertain significance (1 of 4 stars; one submission).

Conditions:
Cutis laxa, autosomal dominant 3 (ADCL3). Identifiers: Orphanet 90348, MedGen C4225268, MONDO:0014706, OMIM 616603.
Autosomal dominant spastic paraplegia type 9. Identifiers: MedGen C1832669, MONDO:0015091.
de Barsy syndrome. Also called: Cutis laxa-corneal clouding-oligophrenia syndrome. Identifiers: Orphanet 2962, MedGen C0268354, MONDO:0017569.

Allele frequency attached by ClinVar (database versions not stated): gnomAD 0.00001; TOPMed 0.00002.
gnomAD v4.1: 10 of 1,614,008 alleles (0.00062%); highest among the groups gnomAD compares: Admixed American, 0.0083%; no homozygotes.

Submission:

Labcorp Genetics (formerly Invitae), Labcorp
Classification: Uncertain significance for Autosomal dominant spastic paraplegia type 9; de Barsy syndrome; Cutis laxa, autosomal dominant 3. Last evaluated: 2026-01-12. Review status: criteria provided, single submitter. Criteria: Invitae Variant Classification Sherloc (09022015). Collection method: clinical testing. Allele origin: germline.
Comment: This sequence change replaces isoleucine, which is neutral and non-polar, with threonine, which is neutral and polar, at codon 32 of the ALDH18A1 protein (p.Ile32Thr). This variant is present in population databases (no rsID available, gnomAD 0.01%). This variant has not been reported in the literature in individuals affected with ALDH18A1-related conditions. ClinVar contains an entry for this variant (Variation ID: 2070929). An algorithm developed to predict the effect of missense changes on protein structure and function (PolyPhen-2) suggests that this variant is likely to be tolerated. In summary, the available evidence is currently insufficient to determine the role of this variant in disease. Therefore, it has been classified as a Variant of Uncertain Significance.

NM_002860.4(ALDH18A1):c.95T>C (p.Ile32Thr)

Gene: ALDH18A1 (aldehyde dehydrogenase 18 family member A1; minus strand). Cytogenetic location: 10q24.1.
Variant type: single nucleotide variant.
Coding change: c.95T>C on transcript NM_002860.4 (MANE Select); coding-DNA position 95, T replaced by C.
Protein change: p.Ile32Thr; replaces isoleucine 32 with threonine.
Molecular consequence: missense variant. On other transcripts: intron variant (4).
Genome position (GRCh38, 1-based): chr10:95,643,200, A>G on the plus strand (T>C on the coding strand, the complement: ALDH18A1 is on the minus strand). VCF-style: chr10-95643200-A-G. GRCh37 (hg19) VCF-style: chr10-97402957-A-G.
Other names: c.95T>C, p.Ile32Thr (NM_001017423.2, NM_001323413.2, NM_001323414.2 and 2 more transcripts); c.-78-9551T>C (NM_001323419.2); c.-30-5764T>C (NM_001323412.2, NM_001323418.2, NM_001323416.2); short protein forms I32T.
Identifiers: ClinVar variation 2070929 (VCV002070929.4), dbSNP rs1395828974, ClinGen allele CA377708576.